The following is an entry in ClinVar:

ClinVar aggregate classification (germline): Benign. Review status: criteria provided, multiple submitters, no conflicts (2 of 4 stars). 2 submissions from 2 submitters: Benign (2). Last evaluated 2018-01-12.

Conditions:
Inherited glutathione synthetase deficiency. Identifiers: Orphanet 32, MedGen C5979912, MONDO:0017909.

Allele frequency attached by ClinVar (database versions not stated): gnomAD 0.00034 and 0.00052; gnomAD exomes 0.00035 and 0.00105; ExAC 0.00108; TOPMed 0.00124; 1000 Genomes Project 30x 0.00281; 1000 Genomes Project 0.00300.
gnomAD v4.1: 588 of 1,614,060 alleles (0.036%); highest among the groups gnomAD compares: East Asian, 1.1%; 7 homozygotes.

Submissions (2):

Illumina Laboratory Services, Illumina
Classification: Benign for Glutathione synthetase deficiency with 5-oxoprolinuria. Last evaluated: 2018-01-12. Review status: criteria provided, single submitter. Criteria: ICSL Variant Classification Criteria 13 December 2019. Collection method: clinical testing. Allele origin: germline.
Comment: This variant was observed in the ICSL laboratory as part of a predisposition screen in an ostensibly healthy population. It had not been previously curated by ICSL or reported in the Human Gene Mutation Database (HGMD: prior to June 1st, 2018), and was therefore a candidate for classification through an automated scoring system. Utilizing variant allele frequency, disease prevalence and penetrance estimates, and inheritance mode, an automated score was calculated to assess if this variant is too frequent to cause the disease. Based on the score and internal cut-off values, a variant classified as benign is not then subjected to further curation. The score for this variant resulted in a classification of benign for this disease.

Breakthrough Genomics
Classification: Benign. Review status: criteria provided, single submitter. Criteria: ACMG Guidelines, 2015. Collection method: not provided. Allele origin: germline. Inheritance: Autosomal recessive inheritance. Affected: yes.

NM_000178.4(GSS):c.*2G>A

Gene: GSS (glutathione synthetase; minus strand). Cytogenetic location: 20q11.22.
Variant type: single nucleotide variant.
Coding change: c.*2G>A on transcript NM_000178.4 (MANE Select); 2 bases downstream of the stop codon, G replaced by A.
Molecular consequence: 3 prime UTR variant.
Genome position (GRCh38, 1-based): chr20:34,928,826, C>T on the plus strand (G>A on the coding strand, the complement: GSS is on the minus strand). VCF-style: chr20-34928826-C-T. GRCh37 (hg19) VCF-style: chr20-33516629-C-T.
Other names: c.*2G>A (LRG_1168t1, NM_001322494.1, NM_001322495.1).
Identifiers: ClinVar variation 338292 (VCV000338292.6), dbSNP rs36000727, ClinGen allele CA9825787.